The following is an entry in ClinVar:

ClinVar aggregate classification (germline): Likely pathogenic (1 of 4 stars; one submission).

Submission:

Mayo Clinic Laboratories, Mayo Clinic
Classification: Likely pathogenic. Last evaluated: 2023-07-06. Review status: criteria provided, single submitter. Criteria: ACMG Guidelines, 2015. Collection method: clinical testing. Allele origin: germline. Observed: 1 variant allele.
Comment: PM2_moderate, PVS1

NM_001163809.2(WDR81):c.459dup (p.Ala154fs)

Gene: WDR81 (WD repeat domain 81; plus strand). Cytogenetic location: 17p13.3.
Variant type: Duplication.
Coding change: c.459dup on transcript NM_001163809.2 (MANE Select); coding-DNA position 459, one base duplicated (T; older notation c.459dupT).
Protein change: p.Ala154fs; shifts the reading frame from alanine 154.
Molecular consequence: frameshift variant. On other transcripts: intron variant (3).
Genome position (GRCh38, 1-based): chr17:1,725,418, T duplicated. VCF-style (leftmost placement, unchanged base first): chr17-1725417-A-AT. GRCh37 (hg19) VCF-style: chr17-1628711-A-AT.
Other names: p.Ala154Cysfs*41; c.-123-2572dup (NM_152348.4); c.59-4962dup (NM_001163673.2); c.-15+632dup (NM_001163811.2); short protein forms A154fs.
Identifiers: ClinVar variation 3381150 (VCV003381150.1).